The following is an entry in ClinVar:

ClinVar aggregate classification (germline): Uncertain significance. Review status: criteria provided, multiple submitters, no conflicts (2 of 4 stars). 2 submissions from 2 submitters: Uncertain significance (2). Last evaluated 2025-02-11.

Allele frequency attached by ClinVar (database versions not stated): gnomAD exomes below 0.00001; TOPMed 0.00001; ExAC 0.00003.
gnomAD v4.1: 1 of 1,601,484 alleles (0.000062%); highest among the groups gnomAD compares: Admixed American, 0.0017%; no homozygotes.

Submissions (2):

GeneDx
Classification: Uncertain significance. Last evaluated: 2025-02-11. Review status: criteria provided, single submitter. Criteria: GeneDx Variant Classification Process June 2021. Collection method: clinical testing. Allele origin: germline. Affected: yes.
Comment: Not observed at significant frequency in large population cohorts (gnomAD); In silico analysis supports that this missense variant has a deleterious effect on protein structure/function; Has not been previously published as pathogenic or benign to our knowledge

Labcorp Genetics (formerly Invitae), Labcorp
Classification: Uncertain significance. Last evaluated: 2024-10-16. Review status: criteria provided, single submitter. Criteria: Invitae Variant Classification Sherloc (09022015). Collection method: clinical testing. Allele origin: germline.
Comment: This sequence change replaces threonine, which is neutral and polar, with proline, which is neutral and non-polar, at codon 2857 of the CDH23 protein (p.Thr2857Pro). This variant is present in population databases (rs749507187, gnomAD 0.006%). This variant has not been reported in the literature in individuals affected with CDH23-related conditions. ClinVar contains an entry for this variant (Variation ID: 2165752). Invitae Evidence Modeling of protein sequence and biophysical properties (such as structural, functional, and spatial information, amino acid conservation, physicochemical variation, residue mobility, and thermodynamic stability) has been performed for this missense variant. However, the output from this modeling did not meet the statistical confidence thresholds required to predict the impact of this variant on CDH23 protein function. In summary, the available evidence is currently insufficient to determine the role of this variant in disease. Therefore, it has been classified as a Variant of Uncertain Significance.

NM_022124.6(CDH23):c.8569A>C (p.Thr2857Pro)

Gene: CDH23 (cadherin related 23; plus strand). Cytogenetic location: 10q22.1.
Variant type: single nucleotide variant.
Coding change: c.8569A>C on transcript NM_022124.6 (MANE Select); coding-DNA position 8569, A replaced by C.
Protein change: p.Thr2857Pro; replaces threonine 2857 with proline.
Molecular consequence: missense variant.
Genome position (GRCh38, 1-based): chr10:71,807,854, A>C. VCF-style: chr10-71807854-A-C. GRCh37 (hg19) VCF-style: chr10-73567611-A-C.
Other names: c.8569A>C (NM_022124.5); c.1849A>C, p.Thr617Pro (NM_001171933.1, NM_001171934.1); short protein forms T2857P, T617P.
Identifiers: ClinVar variation 2165752 (VCV002165752.4), dbSNP rs749507187, ClinGen allele CA5546693.